The following is an entry in ClinVar:

NM_201384.3(PLEC):c.13494_13505dup (p.Arg4502_Arg4503insAlaGlySerArg)

Gene: PLEC (plectin; minus strand). Cytogenetic location: 8q24.3.
Variant type: Duplication.
Coding change: c.13494_13505dup on transcript NM_201384.3 (MANE Select); coding-DNA positions 13494 to 13505, 12 bases duplicated (GGCCGGCTCCCG).
Protein change: p.Arg4502_Arg4503insAlaGlySerArg.
Molecular consequence: inframe insertion.
Genome position (GRCh38, 1-based): chr8:143,916,316-143,916,327, CGGGAGCCGGCC duplicated on the plus strand (GGCCGGCTCCCG on the coding strand, the reverse complement: PLEC is on the minus strand); duplicating any 12 consecutive bases within chr8:143,916,316-143,916,337 gives the same sequence; the c. name uses the placement nearest the transcript's 3' end. VCF-style (leftmost placement, unchanged base first): chr8-143916315-G-GCGGGAGCCGGCC. GRCh37 (hg19) VCF-style: chr8-144990483-G-GCGGGAGCCGGCC.
Other names: c.13575_13586dup, p.Arg4529_Arg4530insAlaGlySerArg (NM_000445.5); c.10194_10205dup, p.Arg3402_Arg3403insAlaGlySerArg (NM_001410941.1); c.13452_13463dup, p.Arg4488_Arg4489insAlaGlySerArg (NM_201378.4); c.13428_13439dup, p.Arg4480_Arg4481insAlaGlySerArg (NM_201379.3); c.13905_13916dup, p.Arg4639_Arg4640insAlaGlySerArg (NM_201380.4); c.13398_13409dup, p.Arg4470_Arg4471insAlaGlySerArg (NM_201381.3); c.13494_13505dup, p.Arg4502_Arg4503insAlaGlySerArg (NM_201382.4); c.13506_13517dup, p.Arg4506_Arg4507insAlaGlySerArg (NM_201383.3).
Identifiers: ClinVar variation 2937335 (VCV002937335.3), dbSNP rs782675738, ClinGen allele CA848819935.

ClinVar aggregate classification (germline): Uncertain significance (1 of 4 stars; one submission).

Conditions:
Epidermolysis bullosa simplex with nail dystrophy (EBS5D). Identifiers: MedGen C4225309, MONDO:0014661, OMIM 616487.
Epidermolysis bullosa simplex 5C, with pyloric atresia (EBS5C). Also called: PLEC-Related Epidermolysis Bullosa with Pyloric Atresia; Epidermolysis bullosa simplex with pyloric atresia; PLEC1-Related Epidermolysis Bullosa with Pyloric Atresia. Identifiers: Orphanet 158684, MedGen C2677349, MONDO:0012807, OMIM 612138.
Autosomal recessive limb-girdle muscular dystrophy type 2Q (LGMDR17). Also called: MUSCULAR DYSTROPHY, LIMB-GIRDLE, AUTOSOMAL RECESSIVE 17. Identifiers: Orphanet 254361, MedGen C3150989, MONDO:0013390, OMIM 613723.
Epidermolysis bullosa simplex, Ogna type (EBS5A). Also called: Pidermolysis bullosa simplex 5A, Ogna type; EPIDERMOLYSIS BULLOSA SIMPLEX 5A, OGNA TYPE. Identifiers: Orphanet 79401, MedGen C0432317, MONDO:0007555, OMIM 131950.
Epidermolysis bullosa simplex 5B, with muscular dystrophy (EBS5B). Also called: EPIDERMOLYSIS BULLOSA SIMPLEX AND LIMB-GIRDLE MUSCULAR DYSTROPHY; Epidermolysis bullosa simplex with muscular dystrophy. Identifiers: Orphanet 257, MedGen C2931072, MONDO:0009181, OMIM 226670.

Submission:

Labcorp Genetics (formerly Invitae), Labcorp
Classification: Uncertain significance for Autosomal recessive limb-girdle muscular dystrophy type 2Q; Epidermolysis bullosa simplex, Ogna type; Epidermolysis bullosa simplex with nail dystrophy; Epidermolysis bullosa simplex 5C, with pyloric atresia; Epidermolysis bullosa simplex 5B, with muscular dystrophy. Last evaluated: 2025-04-17. Review status: criteria provided, single submitter. Criteria: Invitae Variant Classification Sherloc (09022015). Collection method: clinical testing. Allele origin: germline.
Comment: This variant, c.13575_13586dup, results in the insertion of 4 amino acid(s) of the PLEC protein (p.Ala4526_Arg4529dup), but otherwise preserves the integrity of the reading frame. This variant is not present in population databases (gnomAD no frequency). This variant has not been reported in the literature in individuals affected with PLEC-related conditions. ClinVar contains an entry for this variant (Variation ID: 2937335). In summary, the available evidence is currently insufficient to determine the role of this variant in disease. Therefore, it has been classified as a Variant of Uncertain Significance.